The following is an entry in ClinVar:

NM_017777.4(MKS1):c.1058G>A (p.Gly353Glu)

Gene: MKS1 (MKS transition zone complex subunit 1; minus strand). Cytogenetic location: 17q22.
Variant type: single nucleotide variant.
Coding change: c.1058G>A on transcript NM_017777.4 (MANE Select); coding-DNA position 1058, G replaced by A.
Protein change: p.Gly353Glu; replaces glycine 353 with glutamic acid.
Molecular consequence: missense variant.
Genome position (GRCh38, 1-based): chr17:58,208,550, C>T on the plus strand (G>A on the coding strand, the complement: MKS1 is on the minus strand). VCF-style: chr17-58208550-C-T. GRCh37 (hg19) VCF-style: chr17-56285911-C-T.
Other names: c.449G>A, p.Gly150Glu (NM_001321268.2); c.1058G>A, p.Gly353Glu (NM_001321269.2, NM_001330397.2, NM_001411113.1); short protein forms G150E, G353E.
Identifiers: ClinVar variation 2068100 (VCV002068100.1), dbSNP rs771939064, ClinGen allele CA8669297.

ClinVar aggregate classification (germline): Uncertain significance (1 of 4 stars; one submission).

Conditions:
Joubert syndrome. Also called: CEREBELLOPARENCHYMAL DISORDER IV; JOUBERT-BOLTSHAUSER SYNDROME; Familial aplasia of the vermis. Identifiers: Orphanet 475, MedGen C5979921, MONDO:0018772.
Meckel-Gruber syndrome. Also called: DYSENCEPHALIA SPLANCHNOCYSTICA; GRUBER SYNDROME; Dysencephalia splachnocystica. Identifiers: Orphanet 564, MedGen C0265215, MONDO:0018921.

Allele frequency attached by ClinVar (database versions not stated): TOPMed below 0.00001; ExAC 0.00001; gnomAD exomes 0.00001.
gnomAD v4.1: 9 of 1,614,190 alleles (0.00056%); highest among the groups gnomAD compares: Non-Finnish European, 0.00076%; no homozygotes.

Submission:

Labcorp Genetics (formerly Invitae), Labcorp
Classification: Uncertain significance for Joubert syndrome; Meckel-Gruber syndrome. Last evaluated: 2022-03-04. Review status: criteria provided, single submitter. Criteria: Invitae Variant Classification Sherloc (09022015). Collection method: clinical testing. Allele origin: germline.
Comment: This sequence change replaces glycine, which is neutral and non-polar, with glutamic acid, which is acidic and polar, at codon 353 of the MKS1 protein (p.Gly353Glu). This variant is present in population databases (rs771939064, gnomAD 0.002%). This variant has not been reported in the literature in individuals affected with MKS1-related conditions. Advanced modeling of protein sequence and biophysical properties (such as structural, functional, and spatial information, amino acid conservation, physicochemical variation, residue mobility, and thermodynamic stability) performed at Invitae indicates that this missense variant is expected to disrupt MKS1 protein function. In summary, the available evidence is currently insufficient to determine the role of this variant in disease. Therefore, it has been classified as a Variant of Uncertain Significance.